The following is an entry in ClinVar:

ClinVar aggregate classification (germline): Uncertain significance (1 of 4 stars; one submission).

Allele frequency attached by ClinVar (database versions not stated): TOPMed below 0.00001; gnomAD exomes 0.00001; ESP Exome Variant Server 0.00008.
gnomAD v4.1: 8 of 1,613,340 alleles (0.0005%); highest among the groups gnomAD compares: Non-Finnish European, 0.00059%; no homozygotes.

Submission:

Ambry Genetics
Classification: Uncertain significance. Last evaluated: 2022-01-31. Review status: criteria provided, single submitter. Criteria: Ambry Variant Classification Scheme 2023. Collection method: clinical testing. Allele origin: germline.
Comment: The p.L1095P variant (also known as c.3284T>C), located in coding exon 29 of the IKBKAP gene, results from a T to C substitution at nucleotide position 3284. The leucine at codon 1095 is replaced by proline, an amino acid with similar properties. This amino acid position is well conserved in available vertebrate species. In addition, this alteration is predicted to be deleterious by in silico analysis. Since supporting evidence is limited at this time, the clinical significance of this alteration remains unclear.

NM_003640.5(ELP1):c.3284T>C (p.Leu1095Pro)

Gene: ELP1 (elongator acetyltransferase complex subunit 1; minus strand). Cytogenetic location: 9q31.3.
Variant type: single nucleotide variant.
Coding change: c.3284T>C on transcript NM_003640.5 (MANE Select); coding-DNA position 3284, T replaced by C.
Protein change: p.Leu1095Pro; replaces leucine 1095 with proline.
Molecular consequence: missense variant.
Genome position (GRCh38, 1-based): chr9:108,882,126, A>G on the plus strand (T>C on the coding strand, the complement: ELP1 is on the minus strand). VCF-style: chr9-108882126-A-G. GRCh37 (hg19) VCF-style: chr9-111644406-A-G.
Other names: c.2942T>C, p.Leu981Pro (NM_001318360.2); c.2237T>C, p.Leu746Pro (NM_001330749.2); short protein forms L1095P, L746P, L981P.
Identifiers: ClinVar variation 1800001 (VCV001800001.2), dbSNP rs374434020, ClinGen allele CA197522405.